The following is an entry in ClinVar:

NM_175914.5(HNF4A):c.1A>G (p.Met1Val)

Gene: HNF4A (hepatocyte nuclear factor 4 alpha; plus strand). Cytogenetic location: 20q13.12.
Variant type: single nucleotide variant.
Coding change: c.1A>G on transcript NM_175914.5 (MANE Select); coding-DNA position 1, A replaced by G.
Protein change: p.Met1Val; changes the start codon (methionine 1).
Molecular consequence: missense variant, initiator codon variant. On other transcripts: 5 prime UTR variant (3).
Genome position (GRCh38, 1-based): chr20:44,355,805, A>G. VCF-style: chr20-44355805-A-G. GRCh37 (hg19) VCF-style: chr20-42984445-A-G.
Other names: NM_175914.5:c.1A>G; c.1A>G, p.Met1Val (NM_001030003.3, NM_001030004.3); c.-231A>G (NM_001287182.2, NM_001287183.2, NM_001287184.2); short protein forms M1V.
Identifiers: ClinVar variation 3238975 (VCV003238975.1), dbSNP rs2515422575.

ClinVar aggregate classification (germline): Pathogenic (3 of 4 stars; one submission).

Conditions:
Monogenic diabetes. Identifiers: Orphanet 183625, MedGen C3888631, MONDO:0015967.

Submission:

ClinGen Monogenic Diabetes Variant Curation Expert Panel
Classification: Pathogenic for Monogenic diabetes. Last evaluated: 2024-06-09. Review status: reviewed by expert panel. Criteria: ClinGen Diabetes ACMG Specifications HNF4A V2.0.0. Collection method: curation. Allele origin: germline. Inheritance: Autosomal dominant inheritance.
Comment: The c.1A>G variant in the hepatocyte nuclear factor 4-alpha gene, HNF4A, results in the loss of the initiation codon (p.Met1?) of NM_175914.5. By altering the start codon of the coding sequence, this variant may cause a truncated or absent protein in a gene in which loss-of-function is an established disease mechanism (PVS1_Strong; PMID: 23348805). This variant is absent from gnomAD v2.1.1 (PM2_Supporting). This variant was identified in four unrelated individuals with non-autoimmune or absolute/near-absolute insulin-deficient diabetes (PS4_Moderate; Internal lab contributors). One of these individuals had a clinical history highly specific for HNF4A-MODY (MODY probability calculator result >50%, negative genetic testing for HNF1A, and antibody negative) (PP4_Moderate; Internal lab contributor). This variant segregated with diabetes, with six informative meioses in two families with MODY (PP1_Strong; Internal lab contributors). In summary, c.1A>G meets the criteria to be classified as Pathogenic for monogenic diabetes. ACMG/AMP criteria applied, as specified by the ClinGen MDEP (specification version 2.0.0, approved 10/11/2023): PP1_Strong, PVS1_Strong, PP4_Moderate, PS4_Moderate, PM2_Supporting.